The following is an entry in ClinVar:

ClinVar aggregate classification (germline): Likely pathogenic. Review status: criteria provided, multiple submitters, no conflicts (2 of 4 stars). 2 submissions from 2 submitters: Likely pathogenic (2). Last evaluated 2025-11-01.

Conditions:
TRAF3IP1-related disorder. Also called: TRAF3IP1-related condition.

Allele frequency attached by ClinVar (database versions not stated): gnomAD 0.00003 and 0.00005; TOPMed 0.00003.
gnomAD v4.1: 11 of 1,531,814 alleles (0.00072%); highest among the groups gnomAD compares: Admixed American, 0.013%; 1 homozygote.

Submissions (3):

Labcorp Genetics (formerly Invitae), Labcorp
Classification: Likely pathogenic. Last evaluated: 2025-11-01. Review status: criteria provided, single submitter. Criteria: Invitae Variant Classification Sherloc (09022015). Collection method: clinical testing. Allele origin: germline.
Comment: This sequence change affects a donor splice site in intron 8 of the TRAF3IP1 gene. It is expected to disrupt RNA splicing. Variants that disrupt the donor or acceptor splice site typically lead to a loss of protein function (PMID: 16199547), and loss-of-function variants in TRAF3IP1 are known to be pathogenic (PMID: 21945076, 26487268, 29068549). This variant is not present in population databases (gnomAD no frequency). This variant has not been reported in the literature in individuals affected with TRAF3IP1-related conditions. ClinVar contains an entry for this variant (Variation ID: 1489914). Algorithms developed to predict the effect of sequence changes on RNA splicing suggest that this variant may disrupt the consensus splice site. In summary, the currently available evidence indicates that the variant is pathogenic, but additional data are needed to prove that conclusively. Therefore, this variant has been classified as Likely Pathogenic.

Blueprint Genetics
Classification: Likely pathogenic for TRAF3IP1-related disorders. Last evaluated: 2023-01-05. Review status: criteria provided, single submitter. Criteria: ACMG Guidelines, 2015. Collection method: clinical testing. Allele origin: germline. Affected: yes. Observed: 2 variant alleles.

Dr. Peter K. Rogan Lab, Western University
No classification provided (evidence only). Condition: Cervical cancer. Review status: no classification provided. Collection method: in vitro. Allele origin: not applicable. Functional consequence: retained intron. Not counted in ClinVar's aggregate classification.

Literature cited by the submitters: PubMed 16199547 (cited by Labcorp Genetics (formerly Invitae), Labcorp); PubMed 21945076 (cited by Labcorp Genetics (formerly Invitae), Labcorp); PubMed 26487268 (cited by Labcorp Genetics (formerly Invitae), Labcorp); PubMed 29068549 (cited by Labcorp Genetics (formerly Invitae), Labcorp).

NM_015650.4(IFT54):c.1159+1G>C

Gene: IFT54 (intraflagellar transport 54; plus strand). Cytogenetic location: 2q37.3.
Variant type: single nucleotide variant.
Coding change: c.1159+1G>C on transcript NM_015650.4 (MANE Select); the canonical splice donor site of the intron after coding-DNA position 1159, G replaced by C.
Molecular consequence: splice donor variant. On other transcripts: intron variant (1).
Genome position (GRCh38, 1-based): chr2:238,338,458, G>C. VCF-style: chr2-238338458-G-C. GRCh37 (hg19) VCF-style: chr2-239247099-G-C.
Other names: c.1063+4423G>C (NM_001139490.1).
Identifiers: ClinVar variation 1489914 (VCV001489914.8), dbSNP rs905244464, ClinGen allele CA67987421.
Genomic context (GRCh38, chr2:238,338,458, plus strand): 5'-ACTCCATAGTGTCTGGAATAAATAATGAGCCAAATCAGGAAACGACAACATCAGAAATAG[G>C]TAAGAAAAATATATTCTTTAGTTTAAATTCCTCACCACTTTAATGTGAATGGTTATATCT-3'